The following is an entry in ClinVar:

NM_000179.3(MSH6):c.924C>A (p.Gly308=)

Gene: MSH6 (mutS homolog 6; plus strand). Cytogenetic location: 2p16.3.
Variant type: single nucleotide variant.
Coding change: c.924C>A on transcript NM_000179.3 (MANE Select); coding-DNA position 924, C replaced by A.
Protein change: p.Gly308=; no amino-acid change (glycine 308 retained).
Molecular consequence: synonymous variant.
Genome position (GRCh38, 1-based): chr2:47,798,907, C>A. VCF-style: chr2-47798907-C-A. GRCh37 (hg19) VCF-style: chr2-48026046-C-A.
Other names: c.534C>A, p.Gly178= (NM_001281492.2); c.18C>A, p.Gly6= (NM_001281493.2, NM_001281494.2).
Identifiers: ClinVar variation 1137835 (VCV001137835.11), dbSNP rs1669271084, ClinGen allele CA426121038.

ClinVar aggregate classification (germline): Likely benign. Review status: criteria provided, multiple submitters, no conflicts (2 of 4 stars). 2 submissions from 2 submitters: Likely benign (2). Last evaluated 2024-04-16.

Conditions:
Lynch syndrome. Identifiers: Orphanet 144, MedGen C4552100, MONDO:0005835. Disease mechanism: loss of function.
Hereditary nonpolyposis colorectal neoplasms. Identifiers: MedGen C0009405, MeSH D003123.

Allele frequency attached by ClinVar (database versions not stated): gnomAD exomes below 0.00001.
gnomAD v4.1: 2 of 1,614,162 alleles (0.00012%); highest among the groups gnomAD compares: South Asian, 0.0022%; no homozygotes.

Submissions (2):

All of Us Research Program, National Institutes of Health
Classification: Likely benign for Lynch syndrome. Last evaluated: 2024-04-16. Review status: criteria provided, single submitter. Criteria: ACMG Guidelines, 2015. Collection method: clinical testing. Allele origin: germline. Inheritance: Autosomal dominant inheritance. Observed: 1 variant allele, 1 heterozygote.
Comment: This study involves interpretation of variants in research participants for the purpose of population health screening. Participant phenotype was not available at the time of variant classification. Additional details can be found in publication PMID: 35346344, PMCID: PMC8962531

Labcorp Genetics (formerly Invitae), Labcorp
Classification: Likely benign for Hereditary nonpolyposis colorectal neoplasms. Last evaluated: 2020-01-23. Review status: criteria provided, single submitter. Criteria: Invitae Variant Classification Sherloc (09022015). Collection method: clinical testing. Allele origin: germline.